The following is an entry in ClinVar:

ClinVar aggregate classification (germline): Uncertain significance (1 of 4 stars; one submission).

Allele frequency attached by ClinVar (database versions not stated): TOPMed below 0.00001; ExAC 0.00001; gnomAD 0.00001; gnomAD exomes 0.00001.
gnomAD v4.1: 10 of 1,612,270 alleles (0.00062%); highest among the groups gnomAD compares: Non-Finnish European, 0.00076%; no homozygotes.

Submission:

Labcorp Genetics (formerly Invitae), Labcorp
Classification: Uncertain significance. Last evaluated: 2023-04-05. Review status: criteria provided, single submitter. Criteria: Invitae Variant Classification Sherloc (09022015). Collection method: clinical testing. Allele origin: germline.
Comment: This sequence change replaces arginine, which is basic and polar, with cysteine, which is neutral and slightly polar, at codon 89 of the RBPJ protein (p.Arg89Cys). This variant is present in population databases (rs771759532, gnomAD 0.0009%). This variant has not been reported in the literature in individuals affected with RBPJ-related conditions. ClinVar contains an entry for this variant (Variation ID: 2019505). Advanced modeling of protein sequence and biophysical properties (such as structural, functional, and spatial information, amino acid conservation, physicochemical variation, residue mobility, and thermodynamic stability) performed at Invitae indicates that this missense variant is not expected to disrupt RBPJ protein function. In summary, the available evidence is currently insufficient to determine the role of this variant in disease. Therefore, it has been classified as a Variant of Uncertain Significance.

NM_015874.6(RBPJ):c.226C>T (p.Arg76Cys)

Gene: RBPJ (recombination signal binding protein for immunoglobulin kappa J region; plus strand). Cytogenetic location: 4p15.2.
Variant type: single nucleotide variant.
Coding change: c.226C>T on transcript NM_015874.6 (MANE Select); coding-DNA position 226, C replaced by T.
Protein change: p.Arg76Cys; replaces arginine 76 with cysteine.
Molecular consequence: missense variant.
Genome position (GRCh38, 1-based): chr4:26,415,545, C>T. VCF-style: chr4-26415545-C-T. GRCh37 (hg19) VCF-style: chr4-26417167-C-T.
Other names: c.160C>T, p.Arg54Cys (NM_001363577.2, NM_203283.5); c.265C>T, p.Arg89Cys (NM_001374400.1, NM_001379408.1, NM_005349.4); c.223C>T, p.Arg75Cys (NM_001374401.1, NM_001374402.1, NM_001374403.1 and 3 more transcripts); c.220C>T, p.Arg74Cys (NM_001379409.1); short protein forms R74C, R76C, R89C, R54C, R75C.
Identifiers: ClinVar variation 2019505 (VCV002019505.4), dbSNP rs771759532, ClinGen allele CA2881314.